The following is an entry in ClinVar:

NM_001283009.2(RTEL1):c.2627A>C (p.Lys876Thr)

Genes: RTEL1 (regulator of telomere elongation helicase 1; plus strand), RTEL1-TNFRSF6B (RTEL1-TNFRSF6B readthrough (NMD candidate); plus strand). Cytogenetic location: 20q13.33.
Variant type: single nucleotide variant.
Coding change: c.2627A>C on transcript NM_001283009.2 (MANE Select); coding-DNA position 2627, A replaced by C.
Protein change: p.Lys876Thr; replaces lysine 876 with threonine.
Molecular consequence: missense variant. On other transcripts: non-coding transcript variant (1).
Genome position (GRCh38, 1-based): chr20:63,691,812, A>C. VCF-style: chr20-63691812-A-C. GRCh37 (hg19) VCF-style: chr20-62323165-A-C.
Other names: c.1958A>C, p.Lys653Thr (NM_001283010.1); c.2627A>C, p.Lys876Thr (NM_016434.4); c.2699A>C, p.Lys900Thr (NM_032957.5); short protein forms K876T, K653T, K900T.
Identifiers: ClinVar variation 4629616 (VCV004629616.1).

ClinVar aggregate classification (germline): Uncertain significance (1 of 4 stars; one submission).

Conditions:
Inborn genetic diseases. Identifiers: MedGen C0950123, MeSH D030342.

gnomAD v4.1: 1 of 1,611,818 alleles (0.000062%); highest among the groups gnomAD compares: Admixed American, 0.0017%; no homozygotes.

Submission:

Ambry Genetics
Classification: Uncertain significance for Inborn genetic diseases. Last evaluated: 2025-11-20. Review status: criteria provided, single submitter. Criteria: Ambry Variant Classification Scheme 2023. Collection method: clinical testing. Allele origin: germline.
Comment: The p.K876T variant (also known as c.2627A>C), located in coding exon 27 of the RTEL1 gene, results from an A to C substitution at nucleotide position 2627. The lysine at codon 876 is replaced by threonine, an amino acid with similar properties. This amino acid position is conserved. In addition, this alteration is predicted to be tolerated by in silico analysis. Based on the available evidence, the clinical significance of this variant remains unclear.